The following is an entry in ClinVar:

ClinVar aggregate classification (germline): Uncertain significance. Review status: criteria provided, multiple submitters, no conflicts (2 of 4 stars). 2 submissions from 2 submitters: Uncertain significance (2). Last evaluated 2026-02-05.

Conditions:
NLRP3-related disorder. Also called: NLRP3-related condition; NLRP3-Related Disorders.
Familial amyloid nephropathy with urticaria AND deafness (MWS). Also called: UDA SYNDROME; URTICARIA-DEAFNESS-AMYLOIDOSIS SYNDROME; CRYOPYRIN-ASSOCIATED PERIODIC SYNDROME 2; MUCKLE-WELLS SYNDROME; Urticaria, deafness and amyloidosis. Identifiers: Orphanet 575, MedGen C0268390, MONDO:0008633, OMIM 191900.
Familial cold autoinflammatory syndrome 1 (FCAS1). Also called: CRYOPYRIN-ASSOCIATED PERIODIC SYNDROME 1; Familial cold inflammatory syndrome 1. Identifiers: Orphanet 47045, MedGen C4551895, MONDO:0007349, OMIM 120100.
Hearing loss, autosomal dominant 34, with or without inflammation. Also called: DEAFNESS, AUTOSOMAL DOMINANT 34, WITH OR WITHOUT INFLAMMATION. Identifiers: MedGen C4521680, MONDO:0033261, OMIM 617772.
Chronic infantile neurological, cutaneous and articular syndrome (CINCA). Also called: CHRONIC NEUROLOGIC CUTANEOUS AND ARTICULAR SYNDROME; CRYOPYRIN-ASSOCIATED PERIODIC SYNDROME 3; CINCA syndrome; Prieur Griscelli syndrome. Identifiers: Orphanet 1451, MedGen C0409818, MONDO:0011776, OMIM 607115.
Keratitis fugax hereditaria. Also called: KERATOENDOTHELIITIS FUGAX HEREDITARIA. Identifiers: Orphanet 647815, MedGen C1835697, MONDO:0007849, OMIM 148200.

gnomAD v4.1: 13 of 1,614,006 alleles (0.00081%); highest among the groups gnomAD compares: Admixed American, 0.0083%; no homozygotes.

Submissions (2):

PreventionGenetics, part of Exact Sciences
Classification: Uncertain significance for NLRP3-related condition. Last evaluated: 2026-02-05. Review status: criteria provided, single submitter. Criteria: ACMG Guidelines, 2015. Collection method: clinical testing. Allele origin: germline.
Comment: The NLRP3 c.1097G>A variant is predicted to result in the amino acid substitution p.Arg366Gln. To our knowledge, this variant has not been reported in the literature. This variant is reported in 0.0087% of alleles in individuals of Latino descent in gnomAD. At this time, the clinical significance of this variant is uncertain due to the absence of conclusive functional and genetic evidence.

Fulgent Genetics
Classification: Uncertain significance for Familial cold autoinflammatory syndrome 1; Keratitis fugax hereditaria; Familial amyloid nephropathy with urticaria AND deafness; Chronic infantile neurological, cutaneous and articular syndrome; Hearing loss, autosomal dominant 34, with or without inflammation. Last evaluated: 2024-04-10. Review status: criteria provided, single submitter. Criteria: ACMG Guidelines, 2015. Collection method: clinical testing. Allele origin: germline.

NM_001243133.2(NLRP3):c.1091G>A (p.Arg364Gln)

Gene: NLRP3 (NLR family pyrin domain containing 3; plus strand). Cytogenetic location: 1q44.
Variant type: single nucleotide variant.
Coding change: c.1091G>A on transcript NM_001243133.2 (MANE Select); coding-DNA position 1091, G replaced by A.
Protein change: p.Arg364Gln; replaces arginine 364 with glutamine.
Molecular consequence: missense variant.
Genome position (GRCh38, 1-based): chr1:247,424,540, G>A. VCF-style: chr1-247424540-G-A. GRCh37 (hg19) VCF-style: chr1-247587842-G-A.
Other names: c.1091G>A, p.Arg364Gln (NM_001079821.3, NM_001127461.3, NM_001127462.3 and 1 more transcripts); c.1097G>A, p.Arg366Gln (NM_004895.5); short protein forms R364Q, R366Q.
Identifiers: ClinVar variation 3583181 (VCV003583181.2).